The following is an entry in ClinVar:

ClinVar aggregate classification (germline): Pathogenic (1 of 4 stars; one submission).

Conditions:
Leber congenital amaurosis 4 (LCA4). Identifiers: MedGen C1858386, MONDO:0011458, OMIM 604393.

Submission:

Labcorp Genetics (formerly Invitae), Labcorp
Classification: Pathogenic for Leber congenital amaurosis 4. Last evaluated: 2022-08-19. Review status: criteria provided, single submitter. Criteria: Invitae Variant Classification Sherloc (09022015). Collection method: clinical testing. Allele origin: germline.
Comment: This sequence change affects the initiator methionine of the AIPL1 mRNA. The next in-frame methionine is located at codon 40. This variant is not present in population databases (gnomAD no frequency). This variant has not been reported in the literature in individuals affected with AIPL1-related conditions. This variant disrupts a region of the AIPL1 protein in which other variant(s) (p.Thr39Asn) have been determined to be pathogenic (PMID: 12573663, 33067476). This suggests that this is a clinically significant region of the protein, and that variants that disrupt it are likely to be disease-causing. For these reasons, this variant has been classified as Pathogenic.

Literature cited by the submitters: PubMed 12573663; PubMed 33067476.

NM_014336.5(AIPL1):c.2T>C (p.Met1Thr)

Gene: AIPL1 (AIP like 1 HSP90 co-chaperone; minus strand). Cytogenetic location: 17p13.2.
Variant type: single nucleotide variant.
Coding change: c.2T>C on transcript NM_014336.5 (MANE Select); coding-DNA position 2, T replaced by C.
Protein change: p.Met1Thr; changes the start codon (methionine 1).
Molecular consequence: missense variant, initiator codon variant. On other transcripts: 5 prime UTR variant (1).
Genome position (GRCh38, 1-based): chr17:6,435,103, A>G on the plus strand (T>C on the coding strand, the complement: AIPL1 is on the minus strand). VCF-style: chr17-6435103-A-G. GRCh37 (hg19) VCF-style: chr17-6338423-A-G.
Other names: c.2T>C, p.Met1Thr (NM_001033054.3, NM_001033055.3, NM_001285399.3 and 3 more transcripts); c.-174T>C (NM_001285402.2); short protein forms M1T.
Identifiers: ClinVar variation 2024868 (VCV002024868.5), dbSNP rs2543922227, ClinGen allele CA397397931.